The following is an entry in ClinVar:

NM_198075.4(LRRC56):c.544C>A (p.Gln182Lys)

Gene: LRRC56 (leucine rich repeat containing 56; plus strand). Cytogenetic location: 11p15.5.
Variant type: single nucleotide variant.
Coding change: c.544C>A on transcript NM_198075.4 (MANE Select); coding-DNA position 544, C replaced by A.
Protein change: p.Gln182Lys; replaces glutamine 182 with lysine.
Molecular consequence: missense variant.
Genome position (GRCh38, 1-based): chr11:550,192, C>A. VCF-style: chr11-550192-C-A. GRCh37 (hg19) VCF-style: chr11-550192-C-A.
Other names: c.544C>A (NM_198075.3); short protein forms Q182K.
Identifiers: ClinVar variation 1601027 (VCV001601027.35), dbSNP rs61736743, ClinGen allele CA5779739.

ClinVar aggregate classification (germline): Benign/Likely benign. Review status: criteria provided, multiple submitters, no conflicts (2 of 4 stars). 5 submissions from 5 submitters: Benign (3); Likely benign (1). 1 of the submissions does not count toward it. Last evaluated 2026-03-01.

Conditions:
LRRC56-related disorder. Also called: LRRC56-related condition.
Ciliary dyskinesia, primary, 39. Also called: CILIARY DYSKINESIA, PRIMARY, 39, WITH OR WITHOUT SITUS INVERSUS. Identifiers: MedGen C4748841, MONDO:0032637, OMIM 618254.

Allele frequency attached by ClinVar (database versions not stated): 1000 Genomes Project 0.00579; ExAC 0.00601; 1000 Genomes Project 30x 0.00640; gnomAD 0.00640 and 0.00647; ESP Exome Variant Server 0.00661; TOPMed 0.00694.
gnomAD v4.1: 12,136 of 1,612,932 alleles (0.75%); highest among the groups gnomAD compares: Admixed American, 1.1%; 64 homozygotes.

Submissions (5):

CeGaT Center for Human Genetics Tuebingen
Classification: Benign. Last evaluated: 2026-03-01. Review status: criteria provided, single submitter. Criteria: CeGaT Center For Human Genetics Tuebingen Variant Classification Criteria Version 2. Collection method: clinical testing. Allele origin: germline. Affected: yes. Observed: 7 variant alleles.
Comment: LRRC56: BP4, BS1, BS2

Labcorp Genetics (formerly Invitae), Labcorp
Classification: Benign. Last evaluated: 2026-02-01. Review status: criteria provided, single submitter. Criteria: Invitae Variant Classification Sherloc (09022015). Collection method: clinical testing. Allele origin: germline.

Fulgent Genetics
Classification: Likely benign for Ciliary dyskinesia, primary, 39. Last evaluated: 2022-01-04. Review status: criteria provided, single submitter. Criteria: ACMG Guidelines, 2015. Collection method: clinical testing. Allele origin: unknown.

Breakthrough Genomics
Classification: Benign. Review status: criteria provided, single submitter. Criteria: ACMG Guidelines, 2015. Collection method: not provided. Allele origin: germline. Inheritance: Autosomal recessive inheritance. Affected: yes.

PreventionGenetics, part of Exact Sciences
Classification: Likely benign for LRRC56-related condition. Last evaluated: 2019-03-25. Review status: no assertion criteria provided. Collection method: clinical testing. Allele origin: germline. Not counted in ClinVar's aggregate classification.
Comment: This variant is classified as likely benign based on ACMG/AMP sequence variant interpretation guidelines (Richards et al. 2015 PMID: 25741868, with internal and published modifications).